The following is an entry in ClinVar:

ClinVar aggregate classification (germline): Uncertain significance (1 of 4 stars; one submission).

Allele frequency attached by ClinVar (database versions not stated): ExAC 0.00002.
gnomAD v4.1: 2 of 1,613,130 alleles (0.00012%); highest among the groups gnomAD compares: Non-Finnish European, 0.000085%; no homozygotes.

Submission:

Labcorp Genetics (formerly Invitae), Labcorp
Classification: Uncertain significance. Last evaluated: 2023-10-14. Review status: criteria provided, single submitter. Criteria: Invitae Variant Classification Sherloc (09022015). Collection method: clinical testing. Allele origin: germline.
Comment: This sequence change replaces valine, which is neutral and non-polar, with methionine, which is neutral and non-polar, at codon 642 of the FGFR3 protein (p.Val642Met). The frequency data for this variant in the population databases is considered unreliable, as metrics indicate poor data quality at this position in the gnomAD database. This variant has not been reported in the literature in individuals affected with FGFR3-related conditions. Advanced modeling of protein sequence and biophysical properties (such as structural, functional, and spatial information, amino acid conservation, physicochemical variation, residue mobility, and thermodynamic stability) has been performed at Invitae for this missense variant, however the output from this modeling did not meet the statistical confidence thresholds required to predict the impact of this variant on FGFR3 protein function. In summary, the available evidence is currently insufficient to determine the role of this variant in disease. Therefore, it has been classified as a Variant of Uncertain Significance.

NM_000142.5(FGFR3):c.1924G>A (p.Val642Met)

Gene: FGFR3 (fibroblast growth factor receptor 3; plus strand). Cytogenetic location: 4p16.3.
Variant type: single nucleotide variant.
Coding change: c.1924G>A on transcript NM_000142.5 (MANE Select); coding-DNA position 1924, G replaced by A.
Protein change: p.Val642Met; replaces valine 642 with methionine.
Molecular consequence: missense variant. On other transcripts: non-coding transcript variant (1).
Genome position (GRCh38, 1-based): chr4:1,806,138, G>A. VCF-style: chr4-1806138-G-A. GRCh37 (hg19) VCF-style: chr4-1807865-G-A.
Other names: c.1927G>A, p.Val643Met (NM_001354809.2, NM_001354810.2); c.1588G>A, p.Val530Met (NM_022965.4); c.1930G>A, p.Val644Met (NM_001163213.2); short protein forms V644M, V530M, V642M, V643M.
Identifiers: ClinVar variation 2776671 (VCV002776671.3), dbSNP rs771059356, ClinGen allele CA2810626.